The following is an entry in ClinVar:

ClinVar aggregate classification (germline): Uncertain significance (1 of 4 stars; one submission).

gnomAD v4.1: 1 of 1,449,176 alleles (0.000069%); highest among the groups gnomAD compares: Non-Finnish European, 0.00009%; no homozygotes.

Submission:

Labcorp Genetics (formerly Invitae), Labcorp
Classification: Uncertain significance. Last evaluated: 2022-11-22. Review status: criteria provided, single submitter. Criteria: Invitae Variant Classification Sherloc (09022015). Collection method: clinical testing. Allele origin: germline.
Comment: This sequence change replaces glycine, which is neutral and non-polar, with alanine, which is neutral and non-polar, at codon 237 of the ARID1A protein (p.Gly237Ala). In summary, the available evidence is currently insufficient to determine the role of this variant in disease. Therefore, it has been classified as a Variant of Uncertain Significance. Advanced modeling of protein sequence and biophysical properties (such as structural, functional, and spatial information, amino acid conservation, physicochemical variation, residue mobility, and thermodynamic stability) performed at Invitae indicates that this missense variant is not expected to disrupt ARID1A protein function. This variant has not been reported in the literature in individuals affected with ARID1A-related conditions. This variant is not present in population databases (gnomAD no frequency).

NM_006015.6(ARID1A):c.710G>C (p.Gly237Ala)

Genes: ARID1A (AT-rich interaction domain 1A; plus strand), LOC129929837 (ATAC-STARR-seq lymphoblastoid silent region 489; plus strand). Cytogenetic location: 1p36.11.
Variant type: single nucleotide variant.
Coding change: c.710G>C on transcript NM_006015.6 (MANE Select); coding-DNA position 710, G replaced by C.
Protein change: p.Gly237Ala; replaces glycine 237 with alanine.
Molecular consequence: missense variant.
Genome position (GRCh38, 1-based): chr1:26,697,113, G>C. VCF-style: chr1-26697113-G-C. GRCh37 (hg19) VCF-style: chr1-27023604-G-C.
Other names: c.710G>C, p.Gly237Ala (NM_139135.4); short protein forms G237A.
Identifiers: ClinVar variation 1941759 (VCV001941759.5), dbSNP rs2124743212, ClinGen allele CA339266156.